The following continues an entry in ClinVar:

NM_000059.4(BRCA2):c.8488-1G>A

Gene: BRCA2. ClinVar aggregate classification (germline): Pathogenic. Pathogenic (1).

Submissions 18 to 33 of 33:

Laboratorio de Genetica e Diagnostico Molecular, Hospital Israelita Albert Einstein
Classification: Pathogenic for Breast-ovarian cancer, familial, susceptibility to, 2. Last evaluated: 2021-08-23. Review status: criteria provided, single submitter. Criteria: ACMG Guidelines, 2015. Collection method: clinical testing. Allele origin: germline. Affected: yes. Not counted in ClinVar's aggregate classification.
Comment: ACMG classification criteria: PVS1 very strong, PS3 supporting, PS4 moderate, PM2 moderate

Laan Lab, Human Genetics Research Group, University of Tartu
Classification: Pathogenic for Breast-ovarian cancer, familial, susceptibility to, 2. Last evaluated: 2021-05-01. Review status: criteria provided, single submitter. Criteria: ACMG Guidelines, 2015. Collection method: research. Allele origin: unknown. Observed: 1 variant allele, 1 homozygote. Not counted in ClinVar's aggregate classification.

Laboratory for Molecular Medicine, Mass General Brigham Personalized Medicine
Classification: Pathogenic for Hereditary breast ovarian cancer syndrome. Last evaluated: 2021-01-06. Review status: criteria provided, single submitter. Criteria: LMM Criteria. Collection method: clinical testing. Allele origin: germline. Inheritance: Autosomal dominant inheritance. Observed: 1 variant allele. Not counted in ClinVar's aggregate classification.
Comment: The c.8488-1G>A variant in BRCA2 has been reported in the heterozygous state in at least 8 individuals with BRCA2-related cancers, and in the homozygous state in 1 individual with Fanconi anemia (Acedo 2012 PMID: 22632462, Santos 2014 PMID: 24607278, Park 2017 PMID: 28111427, Li 2018 PMID: 30078507 , Palmero 2018 PMID: 29907814, Cotrim 2019 PMID: 30606148). This variant has also been reported by other clinical laboratories in ClinVar (Variation ID: 38164) and was absent from large population studies. This variant occurs within the canonical splice site (+/- 1,2) and is predicted to cause altered splicing leading to an abnormal or absent protein. Sequencing of patient RNA confirms that this variant leads to abnormal splicing (Howlett 2002 PMID: 12065746, Acedo 2012 PMID: 22632462, Santos 2014 PMID: 24607278). In summary, this variant meets criteria to be classified as pathogenic for autosomal dominant hereditary breast and ovarian cancer (HBOC). ACMG/AMP Criteria applied: PVS1, PM2_Supporting, PS4_Moderate.

Women's Health and Genetics/Laboratory Corporation of America, LabCorp
Classification: Pathogenic for Hereditary breast and ovarian cancer syndrome. Last evaluated: 2020-10-19. Review status: criteria provided, single submitter. Criteria: LabCorp Variant Classification Summary - May 2015. Collection method: clinical testing. Allele origin: germline. Not counted in ClinVar's aggregate classification.
Comment: Variant summary: BRCA2 c.8488-1G>A is located in a canonical splice-site and is predicted to affect mRNA splicing resulting in a significantly altered protein due to either exon skipping, shortening, or inclusion of intronic material. Several computational tools predict a significant impact on normal splicing: Two predict that the variant abolishes a 3' acceptor site. Several publications report experimental evidence that this variant affects mRNA splicing (e.g. Acedo_2012, Santos_2014). The variant was absent in 251414 control chromosomes. c.8488-1G>A has been reported in the literature in individuals affected with Hereditary Breast And Ovarian Cancer Syndrome (e.g. Acedo_2012, Kim_2012, Peixoto_2014, Fernandes_2016) and Fanconi anemia (e.g. Howlett_2002). These data indicate that the variant is likely to be associated with disease.Several publications report experimental evidence evaluating an impact on protein function, indicating that the variant impairs protein function (e.g. Howlett_2002, Godthelp_2006). 13 other clinical diagnostic laboratories have submitted clinical-significance assessments for this variant to ClinVar after 2014 without evidence for independent evaluation. All laboratories classified the variant as pathogenic/likely pathogenic. Based on the evidence outlined above, the variant was classified as pathogenic.

Mendelics
Classification: Pathogenic for Breast-ovarian cancer, familial, susceptibility to, 2. Last evaluated: 2019-05-28. Review status: criteria provided, single submitter. Criteria: Mendelics Assertion Criteria 2017. Collection method: clinical testing. Allele origin: unknown. Not counted in ClinVar's aggregate classification.

Fulgent Genetics
Classification: Pathogenic for Familial cancer of breast; Medulloblastoma; Familial prostate cancer; Wilms tumor 1; Fanconi anemia complementation group D1; Breast-ovarian cancer, familial, susceptibility to, 2; Glioma susceptibility 3; Pancreatic cancer, susceptibility to, 2. Last evaluated: 2018-10-31. Review status: criteria provided, single submitter. Criteria: ACMG Guidelines, 2015. Collection method: clinical testing. Allele origin: unknown. Not counted in ClinVar's aggregate classification.

Human Genome Sequencing Center Clinical Lab, Baylor College of Medicine
Classification: Pathogenic for hereditary breast and ovarian cancer syndrome. Last evaluated: 2018-07-05. Review status: criteria provided, single submitter. Criteria: ACMG Guidelines, 2015. Collection method: clinical testing. Allele origin: unknown. Not counted in ClinVar's aggregate classification.
Comment: The c.8488-1G>A variant in the BRCA2 gene is located at the canonical acceptor splice site of intron 19. It is predicted to result in acceptor loss (SpliceAI delta score: 0.92) and aberrant splicing and disrupted protein product. The variant has been reported in multiple individuals with breast/ovarian/prostate cancer (PMID: 35264596, 37118955, 30350268, 22798144, 34235180). This variant has also been reported in homozygosity in an individual affected with Fanconi anemia (PMID: 12065746). Experimental RNA analysis in patient lymphocytes and minigene assay have shown that this variant may cause aberrant transcripts (PMID: 22632462, 12065746, 24607278). Loss-of-function variants of BRCA2 are known to be pathogenic (PMID: 8988179, 11897832, 29446198). The variant is reported in ClinVar as pathogenic (ID:38164) and reviewed by the expert panel. The variant is absent in the general population database (gnomAD). Therefore, the c.8488-1G>A variant in the BRCA2 gene has been classified as pathogenic.

HudsonAlpha Institute for Biotechnology
Classification: Pathogenic for Breast-ovarian cancer, familial, susceptibility to, 2. Last evaluated: 2016-02-11. Review status: criteria provided, single submitter. Criteria: HA_assertions_20150911. Collection method: research. Allele origin: unknown, maternal. Observed: 2 variant alleles. Study: CSER-HudsonAlpha. Not counted in ClinVar's aggregate classification.

Consortium of Investigators of Modifiers of BRCA1/2 (CIMBA), c/o University of Cambridge
Classification: Pathogenic for Breast-ovarian cancer, familial, susceptibility to, 2. Last evaluated: 2015-10-02. Review status: criteria provided, single submitter. Criteria: CIMBA Mutation Classification guidelines May 2016. Collection method: clinical testing. Allele origin: germline. Not counted in ClinVar's aggregate classification.

Juno Genomics, Hangzhou Juno Genomics, Inc
Classification: Likely pathogenic for Familial cancer of breast; Breast-ovarian cancer, familial, susceptibility to, 2; Glioma susceptibility 3; Medulloblastoma; Pancreatic cancer, susceptibility to, 2; Familial prostate cancer; Fanconi anemia complementation group D1; Wilms tumor 1. Review status: criteria provided, single submitter. Criteria: ACMG Guidelines, 2015. Collection method: clinical testing. Allele origin: germline. Not counted in ClinVar's aggregate classification.
Comment: Null variant in a gene where loss of function (LOF) is a known mechanism of disease.;The prevalence of the variant in affected individuals is significantly increased compared to the prevalence in controls.;Patient's phenotype or family history is highly specific for a disease with a single genetic etiology.;For recessive disorders, detected in trans with a pathogenic variant.

Laboratory for Genotyping Development, RIKEN
Classification: Pathogenic for Gastric cancer. Last evaluated: 2021-07-01. Review status: no assertion criteria provided. Collection method: research. Allele origin: germline. Not counted in ClinVar's aggregate classification.

Gharavi Laboratory, Columbia University
Classification: Pathogenic. Last evaluated: 2018-09-16. Review status: no assertion criteria provided. Criteria: ACMG Guidelines, 2015. Collection method: research. Allele origin: germline. Affected: yes. Not counted in ClinVar's aggregate classification.

Counsyl
Classification: Pathogenic for Breast-ovarian cancer, familial, susceptibility to, 2. Last evaluated: 2015-03-09. Review status: no assertion criteria provided. Collection method: clinical testing. Allele origin: unknown. Not counted in ClinVar's aggregate classification.

Research Molecular Genetics Laboratory, Women's College Hospital, University of Toronto
Classification: Pathogenic for Hereditary breast ovarian cancer syndrome. Last evaluated: 2014-01-31. Review status: no assertion criteria provided. Collection method: research. Allele origin: germline. Affected: yes. Study: The Canadian Open Genetics Repository (COGR). Not counted in ClinVar's aggregate classification.

Sharing Clinical Reports Project (SCRP)
Classification: Likely pathogenic for Breast-ovarian cancer, familial 2. Last evaluated: 2011-09-23. Review status: no assertion criteria provided. Collection method: clinical testing. Allele origin: germline. Not counted in ClinVar's aggregate classification.

OMIM
Classification: Pathogenic for FANCONI ANEMIA, COMPLEMENTATION GROUP D1. Last evaluated: 2002-07-26. Review status: no assertion criteria provided. Collection method: literature only. Allele origin: germline. Not counted in ClinVar's aggregate classification.

Literature cited by the submitters: PubMed 31131967 (cited by Evidence-based Network for the Interpretation of Germline Mutant Alleles (ENIGMA) and Quest Diagnostics Nichols Institute San Juan Capistrano); PubMed 16199547 (cited by Labcorp Genetics (formerly Invitae), Labcorp); PubMed 20104584 (cited by Labcorp Genetics (formerly Invitae), Labcorp); PubMed 22632462 (cited by 10 submitters); PubMed 24301060 (cited by Labcorp Genetics (formerly Invitae), Labcorp and Quest Diagnostics Nichols Institute San Juan Capistrano); PubMed 24607278 (cited by 10 submitters); PubMed 27741520 (cited by 7 submitters); PubMed 31331294 (cited by Labcorp Genetics (formerly Invitae), Labcorp and Institute for Genomic Medicine (IGM) Clinical Laboratory, Nationwide Children's Hospital); PubMed 12065746 (cited by 11 submitters); PubMed 22798144 (cited by 4 submitters); PubMed 24916970 (cited by 4 submitters); PubMed 25382762 (cited by 6 submitters); PubMed 32354836 (cited by 3 submitters); PubMed 33008098 (cited by 3 submitters); PubMed 33309985 (cited by All of Us Research Program, National Institutes of Health and Color Diagnostics, LLC DBA Color Health); PubMed 29907814 (cited by Institute for Genomic Medicine (IGM) Clinical Laboratory, Nationwide Children's Hospital and Laboratory for Molecular Medicine, Mass General Brigham Personalized Medicine); PubMed 30078507 (cited by 3 submitters); PubMed 30606148 (cited by 4 submitters); PubMed 16920162 (cited by Mayo Clinic Laboratories, Mayo Clinic and Women's Health and Genetics/Laboratory Corporation of America, LabCorp); PubMed 29790872 (cited by Mayo Clinic Laboratories, Mayo Clinic); PubMed 35264596 (cited by Mayo Clinic Laboratories, Mayo Clinic); PubMed 35353237 (cited by Mayo Clinic Laboratories, Mayo Clinic); PubMed 25525159 (cited by Quest Diagnostics Nichols Institute San Juan Capistrano); PubMed 26834852 (cited by Quest Diagnostics Nichols Institute San Juan Capistrano); PubMed 35535697 (cited by Laan Lab, Human Genetics Research Group, University of Tartu); PubMed 28111427 (cited by Laboratory for Molecular Medicine, Mass General Brigham Personalized Medicine); PubMed 36988593 (cited by Laboratory for Genotyping Development, RIKEN).